The following is an entry in ClinVar:

ClinVar aggregate classification (germline): Uncertain significance. Review status: criteria provided, multiple submitters, no conflicts (2 of 4 stars). 4 submissions from 4 submitters: Uncertain significance (4). Last evaluated 2025-10-21.

Conditions:
Ataxia-telangiectasia syndrome (AT). Also called: Ataxia-telangiectasia, complementation group D; AT, COMPLEMENTATION GROUP C; ATAXIA-TELANGIECTASIA, COMPLEMENTATION GROUP A; ATAXIA-TELANGIECTASIA, FRESNO VARIANT; Ataxia-telangiectasia; LOUIS-BAR SYNDROME. Identifiers: Orphanet 100, MedGen C0004135, MONDO:0008840, OMIM 208900.
Hereditary cancer-predisposing syndrome. Also called: Hereditary Cancer Syndrome; Neoplastic Syndromes, Hereditary; Tumor predisposition; Hereditary neoplastic syndrome. Identifiers: Orphanet 140162, MedGen C0027672, MeSH D009386, MONDO:0015356.
Familial cancer of breast. Also called: BREAST CANCER, FAMILIAL; Hereditary breast cancer; hereditary breast carcinoma. Identifiers: Orphanet 227535, MedGen C0346153, MONDO:0016419, OMIM 114480. Disease mechanism: loss of function.

Submissions (4):

Color Diagnostics, LLC DBA Color Health
Classification: Uncertain significance for Hereditary cancer-predisposing syndrome. Last evaluated: 2025-10-21. Review status: criteria provided, single submitter. Criteria: ACMG Guidelines, 2015. Collection method: clinical testing. Allele origin: germline.
Comment: This variant causes an A to G nucleotide substitution at the +4 position of intron 9 of the ATM gene. Splice prediction tools suggest that this variant may disrupt RNA splicing. To our knowledge, RNA studies have not been reported for this variant. This variant has not been reported in individuals affected with ATM-related disorders in the literature. This variant has not been identified in the general population by the Genome Aggregation Database (gnomAD). The available evidence is insufficient to determine the role of this variant in disease conclusively. Therefore, this variant is classified as a Variant of Uncertain Significance.

Ambry Genetics
Classification: Uncertain significance for Hereditary cancer-predisposing syndrome. Last evaluated: 2025-08-14. Review status: criteria provided, single submitter. Criteria: Ambry Variant Classification Scheme 2023. Collection method: clinical testing. Allele origin: germline.
Comment: The c.1235+4A>G intronic variant results from an A to G substitution 4 nucleotides after coding exon 8 in the ATM gene. This nucleotide position is highly conserved in available vertebrate species. In silico splice site analysis predicts that this alteration will weaken the native splice donor site; however, direct evidence is insufficient at this time (Ambry internal data). Since supporting evidence is limited at this time, the clinical significance of this alteration remains unclear.

Labcorp Genetics (formerly Invitae), Labcorp
Classification: Uncertain significance for Ataxia-telangiectasia syndrome. Last evaluated: 2024-11-27. Review status: criteria provided, single submitter. Criteria: Invitae Variant Classification Sherloc (09022015). Collection method: clinical testing. Allele origin: germline.
Comment: This sequence change falls in intron 9 of the ATM gene. It does not directly change the encoded amino acid sequence of the ATM protein. RNA analysis indicates that this variant induces altered splicing and may result in an absent or altered protein product. This variant is not present in population databases (gnomAD no frequency). This variant has not been reported in the literature in individuals affected with ATM-related conditions. ClinVar contains an entry for this variant (Variation ID: 186690). Variants that disrupt the consensus splice site are a relatively common cause of aberrant splicing (PMID: 17576681, 9536098). Studies have shown that this variant results in skipping of exon 9, and produces a non-functional protein and/or introduces a premature termination codon (internal data). In summary, the available evidence is currently insufficient to determine the role of this variant in disease. Therefore, it has been classified as a Variant of Uncertain Significance.

Baylor Genetics
Classification: Uncertain significance for Familial cancer of breast. Last evaluated: 2023-01-15. Review status: criteria provided, single submitter. Criteria: ACMG Guidelines, 2015. Collection method: clinical testing. Allele origin: unknown.

Literature cited by the submitters: PubMed 17576681 (cited by Labcorp Genetics (formerly Invitae), Labcorp); PubMed 9536098 (cited by Labcorp Genetics (formerly Invitae), Labcorp).

NM_000051.4(ATM):c.1235+4A>G

Gene: ATM (ATM serine/threonine kinase; plus strand). Cytogenetic location: 11q22.3.
Variant type: single nucleotide variant.
Coding change: c.1235+4A>G on transcript NM_000051.4 (MANE Select); 4 bases into the intron after coding-DNA position 1235, A replaced by G.
Molecular consequence: intron variant.
Genome position (GRCh38, 1-based): chr11:108,249,106, A>G. VCF-style: chr11-108249106-A-G. GRCh37 (hg19) VCF-style: chr11-108119833-A-G.
Other names: c.1235+4A>G (NM_001351834.2).
Identifiers: ClinVar variation 186690 (VCV000186690.13), dbSNP rs786203147, ClinGen allele CA195575.
Genomic context (GRCh38, chr11:108,249,106, plus strand): 5'-GGAAGTAATAAAAGATCACCTTCAGAAGTCACAGAATGATTTTGATCTTGTGCCTTGGTA[A>G]AGTGTTACCATTTTCTCATTCAGTGTCATTTTAATCTCTTGTATGTTATTTTTCAGAAAA-3'